The following is an entry in ClinVar:

ClinVar aggregate classification (germline): Uncertain significance (1 of 4 stars; one submission).

Conditions:
Dystonic disorder. Also called: Dystonia. Identifiers: MedGen C0013421, MONDO:0003441, HP:0001332.

Submission:

Labcorp Genetics (formerly Invitae), Labcorp
Classification: Uncertain significance for Dystonic disorder. Last evaluated: 2022-05-27. Review status: criteria provided, single submitter. Criteria: Invitae Variant Classification Sherloc (09022015). Collection method: clinical testing. Allele origin: germline.
Comment: In summary, the available evidence is currently insufficient to determine the role of this variant in disease. Therefore, it has been classified as a Variant of Uncertain Significance. This sequence change replaces proline, which is neutral and non-polar, with leucine, which is neutral and non-polar, at codon 168 of the CIZ1 protein (p.Pro168Leu). This variant is not present in population databases (gnomAD no frequency). This variant has not been reported in the literature in individuals affected with CIZ1-related conditions. Algorithms developed to predict the effect of missense changes on protein structure and function (SIFT, PolyPhen-2, Align-GVGD) all suggest that this variant is likely to be disruptive.

NM_001131016.2(CIZ1):c.503C>T (p.Pro168Leu)

Gene: CIZ1 (CDKN1A interacting zinc finger protein 1; minus strand). Cytogenetic location: 9q34.11.
Variant type: single nucleotide variant.
Coding change: c.503C>T on transcript NM_001131016.2 (MANE Select); coding-DNA position 503, C replaced by T.
Protein change: p.Pro168Leu; replaces proline 168 with leucine.
Molecular consequence: missense variant.
Genome position (GRCh38, 1-based): chr9:128,185,632, G>A on the plus strand (C>T on the coding strand, the complement: CIZ1 is on the minus strand). VCF-style: chr9-128185632-G-A. GRCh37 (hg19) VCF-style: chr9-130947911-G-A.
Other names: c.503C>T, p.Pro168Leu (NM_001131015.2, NM_001131017.2, NM_012127.3); c.431C>T, p.Pro144Leu (NM_001131018.2); c.593C>T, p.Pro198Leu (NM_001257975.2); c.200C>T, p.Pro67Leu (NM_001257976.2); short protein forms P198L, P168L, P144L, P67L.
Identifiers: ClinVar variation 1995173 (VCV001995173.4), dbSNP rs2538843612, ClinGen allele CA375001514.
Genomic context (GRCh38, chr9:128,185,632, plus strand): 5'-GAGGTCCGGGCCTGTTTCTGGGGGTTCCGTCCTGAAAGGTTGAACTGGGAAGGGTTCATG[G>A]GGACCCCAACAGGAGGAGGTCCCAGCAAGGACTGGCGAGTGGCCTGGGGAAAGAACTGTT-3'
Protein context (NP_001124488.1, residues 158-178): SLLGPPPVGV[Pro168Leu]MNPSQFNLSG